The following is an entry in ClinVar:

NM_006412.4(AGPAT2):c.640AAG[2] (p.Lys216del)

Gene: AGPAT2 (1-acylglycerol-3-phosphate O-acyltransferase 2; minus strand). Cytogenetic location: 9q34.3.
Variant type: Microsatellite.
Coding change: c.640AAG[2] on transcript NM_006412.4 (MANE Select); two copies in a row of the 3-base unit AAG starting at c.640; the reference has three copies in a row; one copy, 3 bases deleted; also written c.646_648del.
Protein change: p.Lys216del; deletes lysine 216.
Molecular consequence: inframe deletion.
Genome position (GRCh38, 1-based): chr9:136,674,748-136,674,750, CTT deleted on the plus strand (AAG on the coding strand, the reverse complement: AGPAT2 is on the minus strand); deleting any 3 consecutive bases within chr9:136,674,748-136,674,756 gives the same sequence; the position shown is the placement nearest the transcript's 3' end. VCF-style (leftmost placement, unchanged base first): chr9-136674747-ACTT-A. GRCh37 (hg19) VCF-style: chr9-139569199-ACTT-A.
Other names: c.646_648del (NM_006412.4); c.544AAG[2], p.Lys184del (NM_001012727.2); short protein forms K184del, K216del.
Identifiers: ClinVar variation 2057769 (VCV002057769.2), dbSNP rs764787916, ClinGen allele CA5342892.

ClinVar aggregate classification (germline): Uncertain significance. Review status: criteria provided, multiple submitters, no conflicts (2 of 4 stars). 2 submissions from 2 submitters: Uncertain significance (2). Last evaluated 2022-05-20.

Conditions:
Congenital generalized lipodystrophy type 1 (CGL1). Also called: Berardinelli-Seip Congenital Lipodystrophy Type 1; BRUNZELL SYNDROME, AGPAT2-RELATED. Identifiers: Orphanet 528, Orphanet 696189, MedGen C1720862, MONDO:0012071, OMIM 608594.

Submissions (2):

Labcorp Genetics (formerly Invitae), Labcorp
Classification: Uncertain significance. Last evaluated: 2022-05-20. Review status: criteria provided, single submitter. Criteria: Invitae Variant Classification Sherloc (09022015). Collection method: clinical testing. Allele origin: germline.
Comment: This variant, c.646_648del, results in the deletion of 1 amino acid(s) of the AGPAT2 protein (p.Lys216del), but otherwise preserves the integrity of the reading frame. This variant is present in population databases (rs764787916, gnomAD 0.02%). This variant has not been reported in the literature in individuals affected with AGPAT2-related conditions. Experimental studies and prediction algorithms are not available or were not evaluated, and the functional significance of this variant is currently unknown. In summary, the available evidence is currently insufficient to determine the role of this variant in disease. Therefore, it has been classified as a Variant of Uncertain Significance.

New York Genome Center
Classification: Uncertain significance for Congenital generalized lipodystrophy type 1. Last evaluated: 2022-03-25. Review status: criteria provided, single submitter. Criteria: NYGC Assertion Criteria 2020. Collection method: clinical testing. Allele origin: germline. Observed: 1 heterozygote.